The following is an entry in ClinVar:

NM_000287.4(PEX6):c.1130+6C>T

Gene: PEX6 (peroxisomal biogenesis factor 6; minus strand). Cytogenetic location: 6p21.1.
Variant type: single nucleotide variant.
Coding change: c.1130+6C>T on transcript NM_000287.4 (MANE Select); 6 bases into the intron after coding-DNA position 1130, C replaced by T.
Molecular consequence: intron variant.
Genome position (GRCh38, 1-based): chr6:42,973,997, G>A on the plus strand (C>T on the coding strand, the complement: PEX6 is on the minus strand). VCF-style: chr6-42973997-G-A. GRCh37 (hg19) VCF-style: chr6-42941735-G-A.
Other names: c.866+6C>T (NM_001316313.2).
Identifiers: ClinVar variation 1464586 (VCV001464586.6), dbSNP rs2150234879, ClinGen allele CA2573140777.

ClinVar aggregate classification (germline): Uncertain significance (1 of 4 stars; one submission).

Conditions:
Peroxisome biogenesis disorder. Identifiers: Orphanet 79189, MedGen C1832200, MONDO:0019234. Disease mechanism: loss of function.

Submission:

Labcorp Genetics (formerly Invitae), Labcorp
Classification: Uncertain significance for Peroxisome biogenesis disorder. Last evaluated: 2021-06-25. Review status: criteria provided, single submitter. Criteria: Invitae Variant Classification Sherloc (09022015). Collection method: clinical testing. Allele origin: germline.
Comment: This sequence change falls in intron 3 of the PEX6 gene. It does not directly change the encoded amino acid sequence of the PEX6 protein. It affects a nucleotide within the consensus splice site of the intron. In summary, the available evidence is currently insufficient to determine the role of this variant in disease. Therefore, it has been classified as a Variant of Uncertain Significance. Nucleotide substitutions within the consensus splice site are a relatively common cause of aberrant splicing (PMID: 17576681, 9536098). Algorithms developed to predict the effect of sequence changes on RNA splicing suggest that this variant is not likely to affect RNA splicing. This variant has not been reported in the literature in individuals affected with PEX6-related conditions. This variant is not present in population databases (ExAC no frequency).

Literature cited by the submitters: PubMed 17576681; PubMed 9536098.